The following is an entry in ClinVar:

ClinVar aggregate classification (germline): Uncertain significance (1 of 4 stars; one submission).

Submission:

Labcorp Genetics (formerly Invitae), Labcorp
Classification: Uncertain significance. Last evaluated: 2025-01-30. Review status: criteria provided, single submitter. Criteria: Invitae Variant Classification Sherloc (09022015). Collection method: clinical testing. Allele origin: germline.
Comment: This sequence change replaces threonine, which is neutral and polar, with isoleucine, which is neutral and non-polar, at codon 1343 of the FLNB protein (p.Thr1343Ile). This variant is not present in population databases (gnomAD no frequency). This variant has not been reported in the literature in individuals affected with FLNB-related conditions. ClinVar contains an entry for this variant (Variation ID: 2786693). Invitae Evidence Modeling of protein sequence and biophysical properties (such as structural, functional, and spatial information, amino acid conservation, physicochemical variation, residue mobility, and thermodynamic stability) indicates that this missense variant is not expected to disrupt FLNB protein function with a negative predictive value of 95%. In summary, the available evidence is currently insufficient to determine the role of this variant in disease. Therefore, it has been classified as a Variant of Uncertain Significance.

NM_001457.4(FLNB):c.4028C>T (p.Thr1343Ile)

Gene: FLNB (filamin B; plus strand). Cytogenetic location: 3p14.3.
Variant type: single nucleotide variant.
Coding change: c.4028C>T on transcript NM_001457.4 (MANE Select); coding-DNA position 4028, C replaced by T.
Protein change: p.Thr1343Ile; replaces threonine 1343 with isoleucine.
Molecular consequence: missense variant.
Genome position (GRCh38, 1-based): chr3:58,125,710, C>T. VCF-style: chr3-58125710-C-T. GRCh37 (hg19) VCF-style: chr3-58111437-C-T.
Other names: c.4028C>T, p.Thr1343Ile (NM_001164317.2, NM_001164318.2, NM_001164319.2); short protein forms T1343I.
Identifiers: ClinVar variation 2786693 (VCV002786693.3), dbSNP rs2471131675, ClinGen allele CA353350038.